The following is an entry in ClinVar:

ClinVar aggregate classification (germline): Uncertain significance. Review status: criteria provided, multiple submitters, no conflicts (2 of 4 stars). 2 submissions from 2 submitters: Uncertain significance (2). Last evaluated 2025-04-15.

Conditions:
Epileptic encephalopathy. Identifiers: MedGen C0543888, HP:0200134.

Allele frequency attached by ClinVar (database versions not stated): gnomAD 0.00003 and 0.00004; gnomAD exomes 0.00005; TOPMed 0.00005; ESP Exome Variant Server 0.00008; ExAC 0.00009.
gnomAD v4.1: 45 of 1,609,742 alleles (0.0028%); highest among the groups gnomAD compares: South Asian, 0.021%; 1 homozygote.

Submissions (2):

Ambry Genetics
Classification: Uncertain significance. Last evaluated: 2025-04-15. Review status: criteria provided, single submitter. Criteria: Ambry Variant Classification Scheme 2023. Collection method: clinical testing. Allele origin: germline.

Labcorp Genetics (formerly Invitae), Labcorp
Classification: Uncertain significance for Epileptic encephalopathy. Last evaluated: 2021-08-30. Review status: criteria provided, single submitter. Criteria: Invitae Variant Classification Sherloc (09022015). Collection method: clinical testing. Allele origin: germline.
Comment: This sequence change replaces arginine with histidine at codon 3503 of the RYR3 protein (p.Arg3503His). The arginine residue is highly conserved and there is a small physicochemical difference between arginine and histidine. This variant is present in population databases (rs372700273, ExAC 0.02%). This variant has not been reported in the literature in individuals affected with RYR3-related conditions. Algorithms developed to predict the effect of missense changes on protein structure and function are either unavailable or do not agree on the potential impact of this missense change (SIFT: "Deleterious"; PolyPhen-2: "Possibly Damaging"; Align-GVGD: "Class C0"). In summary, the available evidence is currently insufficient to determine the role of this variant in disease. Therefore, it has been classified as a Variant of Uncertain Significance.

NM_001036.6(RYR3):c.10508G>A (p.Arg3503His)

Gene: RYR3 (ryanodine receptor 3; plus strand). Cytogenetic location: 15q14.
Variant type: single nucleotide variant.
Coding change: c.10508G>A on transcript NM_001036.6 (MANE Select); coding-DNA position 10508, G replaced by A.
Protein change: p.Arg3503His; replaces arginine 3503 with histidine.
Molecular consequence: missense variant.
Genome position (GRCh38, 1-based): chr15:33,816,867, G>A. VCF-style: chr15-33816867-G-A. GRCh37 (hg19) VCF-style: chr15-34109068-G-A.
Other names: c.10493G>A, p.Arg3498His (NM_001243996.4); c.10508G>A (NM_001036.3); short protein forms R3498H, R3503H.
Identifiers: ClinVar variation 1349032 (VCV001349032.6), dbSNP rs372700273, ClinGen allele CA7460867.